The following is an entry in ClinVar:

ClinVar aggregate classification (germline): Uncertain significance. Review status: criteria provided, multiple submitters, no conflicts (2 of 4 stars). 3 submissions from 3 submitters: Uncertain significance (3). Last evaluated 2025-07-20.

Conditions:
Inborn genetic diseases. Identifiers: MedGen C0950123, MeSH D030342.
Fanconi anemia (FA). Also called: Fanconi's anemia. Identifiers: Orphanet 84, MedGen C0015625, MeSH D005199, MONDO:0019391.

gnomAD v4.1: 1 of 1,614,182 alleles (0.000062%); highest among the groups gnomAD compares: Non-Finnish European, 0.000085%; no homozygotes.

Submissions (3):

Ambry Genetics
Classification: Uncertain significance for Inborn genetic diseases. Last evaluated: 2025-07-20. Review status: criteria provided, single submitter. Criteria: Ambry Variant Classification Scheme 2023. Collection method: clinical testing. Allele origin: germline.
Comment: The p.P35R variant (also known as c.104C>G), located in coding exon 1 of the FANCM gene, results from a C to G substitution at nucleotide position 104. The proline at codon 35 is replaced by arginine, an amino acid with dissimilar properties. This amino acid position is conserved. In addition, this alteration is predicted to be tolerated by in silico analysis. Based on the available evidence, the clinical significance of this variant remains unclear.

Labcorp Genetics (formerly Invitae), Labcorp
Classification: Uncertain significance for Fanconi anemia. Last evaluated: 2025-04-01. Review status: criteria provided, single submitter. Criteria: Invitae Variant Classification Sherloc (09022015). Collection method: clinical testing. Allele origin: germline.
Comment: This sequence change replaces proline, which is neutral and non-polar, with arginine, which is basic and polar, at codon 35 of the FANCM protein (p.Pro35Arg). This variant is not present in population databases (gnomAD no frequency). This variant has not been reported in the literature in individuals affected with FANCM-related conditions. ClinVar contains an entry for this variant (Variation ID: 1312638). An algorithm developed to predict the effect of missense changes on protein structure and function (PolyPhen-2) suggests that this variant is likely to be tolerated. In summary, the available evidence is currently insufficient to determine the role of this variant in disease. Therefore, it has been classified as a Variant of Uncertain Significance.

GeneDx
Classification: Uncertain significance. Last evaluated: 2020-05-04. Review status: criteria provided, single submitter. Criteria: GeneDx Variant Classification Process June 2021. Collection method: clinical testing. Allele origin: germline. Affected: yes.
Comment: Not observed in large population cohorts (Lek et al., 2016); In silico analysis supports that this missense variant has a deleterious effect on protein structure/function; Has not been previously published as pathogenic or benign to our knowledge

NM_020937.4(FANCM):c.104C>G (p.Pro35Arg)

Gene: FANCM (FA complementation group M; plus strand). Cytogenetic location: 14q21.2.
Variant type: single nucleotide variant.
Coding change: c.104C>G on transcript NM_020937.4 (MANE Select); coding-DNA position 104, C replaced by G.
Protein change: p.Pro35Arg; replaces proline 35 with arginine.
Molecular consequence: missense variant.
Genome position (GRCh38, 1-based): chr14:45,136,135, C>G. VCF-style: chr14-45136135-C-G. GRCh37 (hg19) VCF-style: chr14-45605338-C-G.
Other names: c.104C>G, p.Pro35Arg (NM_001308133.2, NM_001308134.2); short protein forms P35R.
Identifiers: ClinVar variation 1312638 (VCV001312638.4), dbSNP rs1370048715, ClinGen allele CA389586975.